The following is an entry in ClinVar:

ClinVar aggregate classification (germline): Likely benign. Review status: criteria provided, multiple submitters, no conflicts (2 of 4 stars). 4 submissions from 4 submitters: Likely benign (4). Last evaluated 2026-07-01.

Conditions:
Cardiovascular phenotype. Identifiers: MedGen CN230736.
FLNC-related disorder. Also called: FLNC-related condition; FLNC-related disorders.
Distal myopathy with posterior leg and anterior hand involvement. Also called: WILLIAMS DISTAL MYOPATHY. Identifiers: Orphanet 63273, MedGen C3279722, MONDO:0013550, OMIM 614065.
Hypertrophic cardiomyopathy 26. Also called: Cardiomyopathy, familial hypertrophic, 26. Identifiers: Orphanet 75249, MedGen C4310749, MONDO:0014883, OMIM 617047.
Myofibrillar myopathy 5. Also called: Filaminopathy (type); FILAMINOPATHY, AUTOSOMAL DOMINANT. Identifiers: Orphanet 171445, MedGen C1836050, MONDO:0012289, OMIM 609524.

Allele frequency attached by ClinVar (database versions not stated): ExAC 0.00004; gnomAD exomes 0.00004 and 0.00005; TOPMed 0.00005; gnomAD 0.00009.

Submissions (4):

CeGaT Center for Human Genetics Tuebingen
Classification: Likely benign. Last evaluated: 2026-07-01. Review status: criteria provided, single submitter. Criteria: CeGaT Center For Human Genetics Tuebingen Variant Classification Criteria Version 2. Collection method: clinical testing. Allele origin: germline. Affected: yes. Observed: 2 variant alleles.
Comment: FLNC: BP4, BP7

Labcorp Genetics (formerly Invitae), Labcorp
Classification: Likely benign for Distal myopathy with posterior leg and anterior hand involvement; Myofibrillar myopathy 5; Hypertrophic cardiomyopathy 26. Last evaluated: 2026-01-26. Review status: criteria provided, single submitter. Criteria: Invitae Variant Classification Sherloc (09022015). Collection method: clinical testing. Allele origin: germline.

PreventionGenetics, part of Exact Sciences
Classification: Likely benign for FLNC-related condition. Last evaluated: 2025-03-25. Review status: criteria provided, single submitter. Criteria: ACMG Guidelines, 2015. Collection method: clinical testing. Allele origin: germline.
Comment: This variant is classified as likely benign based on ACMG/AMP sequence variant interpretation guidelines (Richards et al. 2015 PMID: 25741868, with internal and published modifications).

Ambry Genetics
Classification: Likely benign for Cardiovascular phenotype. Last evaluated: 2020-03-16. Review status: criteria provided, single submitter. Criteria: Ambry Variant Classification Scheme 2023. Collection method: clinical testing. Allele origin: germline.

NM_001458.5(FLNC):c.1980C>T (p.Pro660=)

Gene: FLNC (filamin C; plus strand). Cytogenetic location: 7q32.1.
Variant type: single nucleotide variant.
Coding change: c.1980C>T on transcript NM_001458.5 (MANE Select); coding-DNA position 1980, C replaced by T.
Protein change: p.Pro660=; no amino-acid change (proline 660 retained).
Molecular consequence: synonymous variant.
Genome position (GRCh38, 1-based): chr7:128,841,336, C>T. VCF-style: chr7-128841336-C-T. GRCh37 (hg19) VCF-style: chr7-128481390-C-T.
Other names: c.1980C>T, p.Pro660= (NM_001127487.2).
Identifiers: ClinVar variation 471994 (VCV000471994.22), dbSNP rs762673516, ClinGen allele CA4474543.